The following is an entry in ClinVar:

ClinVar aggregate classification (germline): Uncertain significance (1 of 4 stars; one submission).

gnomAD v4.1: 15 of 1,612,740 alleles (0.00093%); highest among the groups gnomAD compares: African/African-American, 0.012%; no homozygotes.

Submission:

Women's Health and Genetics/Laboratory Corporation of America, LabCorp
Classification: Uncertain significance. Last evaluated: 2024-09-13. Review status: criteria provided, single submitter. Criteria: LabCorp Variant Classification Summary - May 2015. Collection method: clinical testing. Allele origin: germline.
Comment: Variant summary: SLC26A4 c.1414T>C (p.Trp472Arg) results in a non-conservative amino acid change located in the SLC26A/SulP transporter domain (IPR011547) of the encoded protein sequence. Five of five in-silico tools predict a damaging effect of the variant on protein function. The variant allele was found at a frequency of 1.6e-05 in 251018 control chromosomes. The available data on variant occurrences in the general population are insufficient to allow any conclusion about variant significance. To our knowledge, no occurrence of c.1414T>C in individuals affected with Pendred Syndrome and no experimental evidence demonstrating its impact on protein function have been reported. No submitters have cited clinical-significance assessments for this variant to ClinVar. Based on the evidence outlined above, the variant was classified as uncertain significance.

NM_000441.2(SLC26A4):c.1414T>C (p.Trp472Arg)

Gene: SLC26A4 (solute carrier family 26 member 4; plus strand). Cytogenetic location: 7q22.3.
Variant type: single nucleotide variant.
Coding change: c.1414T>C on transcript NM_000441.2 (MANE Select); coding-DNA position 1414, T replaced by C.
Protein change: p.Trp472Arg; replaces tryptophan 472 with arginine.
Molecular consequence: missense variant.
Genome position (GRCh38, 1-based): chr7:107,694,693, T>C. VCF-style: chr7-107694693-T-C. GRCh37 (hg19) VCF-style: chr7-107335138-T-C.
Other names: short protein forms W472R.
Identifiers: ClinVar variation 3374824 (VCV003374824.1).